The following is an entry in ClinVar:

ClinVar aggregate classification (germline): Benign. Review status: criteria provided, multiple submitters, no conflicts (2 of 4 stars). 3 submissions from 3 submitters: Benign (3). Last evaluated 2021-06-19.

Conditions:
Multicentric osteolysis nodulosis arthropathy spectrum. Identifiers: Orphanet 3460, Orphanet 371428, MedGen C1850155, MONDO:0018298.

Allele frequency attached by ClinVar (database versions not stated): gnomAD 0.10610 and 0.10779; TOPMed 0.11545; 1000 Genomes Project 30x 0.13304; 1000 Genomes Project 0.13558.
gnomAD v4.1: 147,705 of 1,400,950 alleles (11%); highest among the groups gnomAD compares: East Asian, 27%; 8,835 homozygotes.

Submissions (3):

GeneDx
Classification: Benign. Last evaluated: 2021-06-19. Review status: criteria provided, single submitter. Criteria: GeneDx Variant Classification Process June 2021. Collection method: clinical testing. Allele origin: germline. Affected: yes.

Illumina Laboratory Services, Illumina
Classification: Benign for Multicentric osteolysis, nodulosis, and arthropathy. Last evaluated: 2018-01-13. Review status: criteria provided, single submitter. Criteria: ICSL Variant Classification Criteria 13 December 2019. Collection method: clinical testing. Allele origin: germline.
Comment: This variant was observed in the ICSL laboratory as part of a predisposition screen in an ostensibly healthy population. It had not been previously curated by ICSL or reported in the Human Gene Mutation Database (HGMD: prior to June 1st, 2018), and was therefore a candidate for classification through an automated scoring system. Utilizing variant allele frequency, disease prevalence and penetrance estimates, and inheritance mode, an automated score was calculated to assess if this variant is too frequent to cause the disease. Based on the score and internal cut-off values, a variant classified as benign is not then subjected to further curation. The score for this variant resulted in a classification of benign for this disease.

Breakthrough Genomics
Classification: Benign. Review status: criteria provided, single submitter. Criteria: ACMG Guidelines, 2015. Collection method: not provided. Allele origin: germline. Inheritance: Autosomal recessive inheritance. Affected: yes.

NM_004530.6(MMP2):c.-61G>C

Gene: MMP2 (matrix metallopeptidase 2; plus strand). Cytogenetic location: 16q12.2.
Variant type: single nucleotide variant.
Coding change: c.-61G>C on transcript NM_004530.6 (MANE Select); 61 bases upstream of the start codon, G replaced by C.
Molecular consequence: 5 prime UTR variant. On other transcripts: intron variant (1).
Genome position (GRCh38, 1-based): chr16:55,479,419, G>C. VCF-style: chr16-55479419-G-C. GRCh37 (hg19) VCF-style: chr16-55513331-G-C.
Other names: c.-76+454G>C (NM_001302508.1).
Identifiers: ClinVar variation 319743 (VCV000319743.8), dbSNP rs2287073, ClinGen allele CA10648592.